The following is an entry in ClinVar:

NM_000257.4(MYH7):c.425A>G (p.Tyr142Cys)

Gene: MYH7 (myosin heavy chain 7; minus strand). Cytogenetic location: 14q11.2.
Variant type: single nucleotide variant.
Coding change: c.425A>G on transcript NM_000257.4 (MANE Select); coding-DNA position 425, A replaced by G.
Protein change: p.Tyr142Cys; replaces tyrosine 142 with cysteine.
Molecular consequence: missense variant.
Genome position (GRCh38, 1-based): chr14:23,432,716, T>C on the plus strand (A>G on the coding strand, the complement: MYH7 is on the minus strand). VCF-style: chr14-23432716-T-C. GRCh37 (hg19) VCF-style: chr14-23901925-T-C.
Other names: c.425A>G, p.Tyr142Cys (NM_001407004.1); short protein forms Y142C.
Identifiers: ClinVar variation 1739143 (VCV001739143.2), dbSNP rs2502318045, ClinGen allele CA389052842.
Genomic context (GRCh38, chr14:23,432,716, plus strand): 5'-TAGGCGTTGTCGGAGATGGAGAAGATGTGGGGCGGGGCCTCGCTCCTCTTCTTGCCCCGG[T>C]AGGCAGCCACCACCTCAGGAGTGTACACCGGCAGCCACTTGTAAGGGTTGACGGTGACAC-3'
Protein context (NP_000248.2, residues 132-152): PVYTPEVVAA[Tyr142Cys]RGKKRSEAPP

ClinVar aggregate classification (germline): Uncertain significance (1 of 4 stars; one submission).

Conditions:
Cardiovascular phenotype. Identifiers: MedGen CN230736.

Submission:

Ambry Genetics
Classification: Uncertain significance for Cardiovascular phenotype. Last evaluated: 2018-01-09. Review status: criteria provided, single submitter. Criteria: Ambry Variant Classification Scheme 2023. Collection method: clinical testing. Allele origin: germline.
Comment: The p.Y142C variant (also known as c.425A>G), located in coding exon 3 of the MYH7 gene, results from an A to G substitution at nucleotide position 425. The tyrosine at codon 142 is replaced by cysteine, an amino acid with highly dissimilar properties. Another alteration affecting the same amino acid, p.Y142H (c.424T>C), has been reported in association with dilated cardiomyopathy (Waldm&uuml;ller S et al. Eur. J. Heart Fail., 2011 Nov;13:1185-92). This amino acid position is highly conserved in available vertebrate species. In addition, this alteration is predicted to be deleterious by in silico analysis. Since supporting evidence is limited at this time, the clinical significance of this alteration remains unclear.